The following is an entry in ClinVar:

ClinVar aggregate classification (germline): Uncertain significance (1 of 4 stars; one submission).

Submission:

Labcorp Genetics (formerly Invitae), Labcorp
Classification: Uncertain significance. Last evaluated: 2025-06-12. Review status: criteria provided, single submitter. Criteria: Invitae Variant Classification Sherloc (09022015). Collection method: clinical testing. Allele origin: germline.
Comment: This sequence change replaces threonine, which is neutral and polar, with proline, which is neutral and non-polar, at codon 95 of the BNC2 protein (p.Thr95Pro). This variant is not present in population databases (gnomAD no frequency). This variant has not been reported in the literature in individuals affected with BNC2-related conditions. ClinVar contains an entry for this variant (Variation ID: 2874334). An algorithm developed to predict the effect of missense changes on protein structure and function (PolyPhen-2) suggests that this variant is likely to be tolerated. In summary, the available evidence is currently insufficient to determine the role of this variant in disease. Therefore, it has been classified as a Variant of Uncertain Significance.

NM_017637.6(BNC2):c.283A>C (p.Thr95Pro)

Gene: BNC2 (basonuclin zinc finger protein 2; minus strand). Cytogenetic location: 9p22.2.
Variant type: single nucleotide variant.
Coding change: c.283A>C on transcript NM_017637.6 (MANE Select); coding-DNA position 283, A replaced by C.
Protein change: p.Thr95Pro; replaces threonine 95 with proline.
Molecular consequence: missense variant. On other transcripts: intron variant (1).
Genome position (GRCh38, 1-based): chr9:16,727,844, T>G on the plus strand (A>C on the coding strand, the complement: BNC2 is on the minus strand). VCF-style: chr9-16727844-T-G. GRCh37 (hg19) VCF-style: chr9-16727842-T-G.
Other names: c.157A>C, p.Thr53Pro (NM_001317939.2); c.45+104400A>C (NM_001317940.2); short protein forms T95P, T53P.
Identifiers: ClinVar variation 2874334 (VCV002874334.3), dbSNP rs2549065067, ClinGen allele CA373097991.
Genomic context (GRCh38, chr9:16,727,844, plus strand): 5'-GAAAGTAACTTACCTGTTGGGACATTCTGAATAAGAGGTTAGTATCAGCGTTTTGCCATG[T>G]CCCCATGAACCCTGGTTCAGCCGTAGTCGTTCTGGTTCCGAACTGCATGGAGTTGTCAGT-3'
Protein context (NP_060107.3, residues 85-105): TTTAEPGFMG[Thr95Pro]WQNADTNLLF